The following is an entry in ClinVar:

ClinVar aggregate classification (germline): Uncertain significance. Review status: criteria provided, multiple submitters, no conflicts (2 of 4 stars). 2 submissions from 2 submitters: Uncertain significance (2). Last evaluated 2025-10-01.

Conditions:
Cowden syndrome 3 (CWS3). Identifiers: Orphanet 201, MedGen CN166604, MONDO:0014045.
Pheochromocytoma. Also called: MAX-Related Hereditary Paraganglioma-Pheochromocytoma Syndrome. Identifiers: Orphanet 29072, MedGen C0031511, MONDO:0008233, OMIM 171300, HP:0002666.
Carney-Stratakis syndrome. Also called: PARAGANGLIOMA AND GASTROINTESTINAL STROMAL TUMOR. Identifiers: Orphanet 97286, MedGen C1847319, MONDO:0011740, OMIM 606864.
Paragangliomas with sensorineural hearing loss. Identifiers: MedGen C1868633.
Hereditary cancer-predisposing syndrome. Also called: Tumor predisposition; Hereditary Cancer Syndrome; Hereditary neoplastic syndrome; Neoplastic Syndromes, Hereditary. Identifiers: Orphanet 140162, MedGen C0027672, MeSH D009386, MONDO:0015356.

gnomAD v4.1: 1 of 1,613,134 alleles (0.000062%); highest among the groups gnomAD compares: South Asian, 0.0011%; no homozygotes.

Submissions (2):

Ambry Genetics
Classification: Uncertain significance for Hereditary cancer-predisposing syndrome. Last evaluated: 2025-10-01. Review status: criteria provided, single submitter. Criteria: Ambry Variant Classification Scheme 2023. Collection method: clinical testing. Allele origin: germline.
Comment: The p.S73N variant (also known as c.218G>A), located in coding exon 3 of the SDHD gene, results from a G to A substitution at nucleotide position 218. The serine at codon 73 is replaced by asparagine, an amino acid with highly similar properties. This amino acid position is conserved. In addition, this alteration is predicted to be deleterious by in silico analysis. Based on the available evidence, the clinical significance of this variant remains unclear.

Labcorp Genetics (formerly Invitae), Labcorp
Classification: Uncertain significance for Carney-Stratakis syndrome; Paragangliomas with sensorineural hearing loss; Pheochromocytoma; Cowden syndrome 3. Last evaluated: 2025-08-25. Review status: criteria provided, single submitter. Criteria: Invitae Variant Classification Sherloc (09022015). Collection method: clinical testing. Allele origin: germline.
Comment: This sequence change replaces serine, which is neutral and polar, with asparagine, which is neutral and polar, at codon 73 of the SDHD protein (p.Ser73Asn). This variant is present in population databases (rs200486533, gnomAD 0.003%). This variant has not been reported in the literature in individuals affected with SDHD-related conditions. Invitae Evidence Modeling of protein sequence and biophysical properties (such as structural, functional, and spatial information, amino acid conservation, physicochemical variation, residue mobility, and thermodynamic stability) indicates that this missense variant is expected to disrupt SDHD protein function with a positive predictive value of 95%. In summary, the available evidence is currently insufficient to determine the role of this variant in disease. Therefore, it has been classified as a Variant of Uncertain Significance.

NM_003002.4(SDHD):c.218G>A (p.Ser73Asn)

Gene: SDHD (succinate dehydrogenase complex subunit D; plus strand). Cytogenetic location: 11q23.1.
Variant type: single nucleotide variant.
Coding change: c.218G>A on transcript NM_003002.4 (MANE Select); coding-DNA position 218, G replaced by A.
Protein change: p.Ser73Asn; replaces serine 73 with asparagine.
Molecular consequence: missense variant. On other transcripts: non-coding transcript variant (1), intron variant (1).
Genome position (GRCh38, 1-based): chr11:112,088,915, G>A. VCF-style: chr11-112088915-G-A. GRCh37 (hg19) VCF-style: chr11-111959639-G-A.
Other names: c.101G>A, p.Ser34Asn (NM_001276504.2); c.218G>A, p.Ser73Asn (NM_001276506.2); c.169+942G>A (NM_001276503.2); short protein forms S73N, S34N.
Identifiers: ClinVar variation 4548305 (VCV004548305.2).